The following is an entry in ClinVar:

NM_016616.5(NME8):c.995A>G (p.Asp332Gly)

Gene: NME8 (NME/NM23 family member 8; plus strand). Cytogenetic location: 7p14.1.
Variant type: single nucleotide variant.
Coding change: c.995A>G on transcript NM_016616.5 (MANE Select); coding-DNA position 995, A replaced by G.
Protein change: p.Asp332Gly; replaces aspartic acid 332 with glycine.
Molecular consequence: missense variant.
Genome position (GRCh38, 1-based): chr7:37,884,303, A>G. VCF-style: chr7-37884303-A-G. GRCh37 (hg19) VCF-style: chr7-37923905-A-G.
Other names: short protein forms D332G.
Identifiers: ClinVar variation 957206 (VCV000957206.9), dbSNP rs764183917, ClinGen allele CA4222401.

ClinVar aggregate classification (germline): Uncertain significance (1 of 4 stars; one submission).

Conditions:
Primary ciliary dyskinesia 6. Also called: Primary Ciliary Dyskinesia 6: TXNDC3-Related Primary Ciliary Dyskinesia. Identifiers: Orphanet 244, MedGen C1970506, MONDO:0012571, OMIM 610852.

Allele frequency attached by ClinVar (database versions not stated): ExAC 0.00001; gnomAD exomes 0.00001; TOPMed 0.00002.
gnomAD v4.1: 4 of 1,564,760 alleles (0.00026%); highest among the groups gnomAD compares: African/African-American, 0.0041%; no homozygotes.

Submission:

Labcorp Genetics (formerly Invitae), Labcorp
Classification: Uncertain significance for Primary ciliary dyskinesia 6. Last evaluated: 2019-07-06. Review status: criteria provided, single submitter. Criteria: Invitae Variant Classification Sherloc (09022015). Collection method: clinical testing. Allele origin: germline.
Comment: In summary, the available evidence is currently insufficient to determine the role of this variant in disease. Therefore, it has been classified as a Variant of Uncertain Significance. Algorithms developed to predict the effect of sequence changes on RNA splicing suggest that this variant may create or strengthen a splice site, but this prediction has not been confirmed by published transcriptional studies. Algorithms developed to predict the effect of missense changes on protein structure and function are either unavailable or do not agree on the potential impact of this missense change (SIFT: "Tolerated"; PolyPhen-2: "Possibly Damaging"; Align-GVGD: "Class C0"). This variant has not been reported in the literature in individuals with NME8-related conditions. This variant is present in population databases (rs764183917, ExAC 0.01%). This sequence change replaces aspartic acid with glycine at codon 332 of the NME8 protein (p.Asp332Gly). The aspartic acid residue is moderately conserved and there is a moderate physicochemical difference between aspartic acid and glycine.